The following is an entry in ClinVar:

ClinVar aggregate classification (germline): Uncertain significance. Review status: criteria provided, multiple submitters, no conflicts (2 of 4 stars). 2 submissions from 2 submitters: Uncertain significance (2). Last evaluated 2024-10-24.

Conditions:
Stuve-Wiedemann syndrome 2. Also called: Stüve-Wiedemann syndrome 2. Identifiers: MedGen C5676919, MONDO:0030756, OMIM 619751.

Allele frequency attached by ClinVar (database versions not stated): gnomAD 0.00002 and 0.00008; gnomAD exomes 0.00002; ExAC 0.00004; ESP Exome Variant Server 0.00008; TOPMed 0.00008.
gnomAD v4.1: 43 of 1,606,782 alleles (0.0027%); highest among the groups gnomAD compares: South Asian, 0.012%; no homozygotes.

Submissions (2):

Labcorp Genetics (formerly Invitae), Labcorp
Classification: Uncertain significance. Last evaluated: 2024-10-24. Review status: criteria provided, single submitter. Criteria: Invitae Variant Classification Sherloc (09022015). Collection method: clinical testing. Allele origin: germline.
Comment: This sequence change replaces cysteine, which is neutral and slightly polar, with tyrosine, which is neutral and polar, at codon 1328 of the RUSC2 protein (p.Cys1328Tyr). This variant is present in population databases (rs372907491, gnomAD 0.02%). This variant has not been reported in the literature in individuals affected with RUSC2-related conditions. ClinVar contains an entry for this variant (Variation ID: 1357226). An algorithm developed to predict the effect of missense changes on protein structure and function (PolyPhen-2) suggests that this variant is likely to be disruptive. In summary, the available evidence is currently insufficient to determine the role of this variant in disease. Therefore, it has been classified as a Variant of Uncertain Significance.

Department of Human Genetics, Hannover Medical School
Classification: Uncertain significance for Stuve-Wiedemann syndrome 2. Last evaluated: 2023-08-09. Review status: criteria provided, single submitter. Criteria: ACMG Guidelines, 2015. Collection method: clinical testing. Allele origin: germline. Inheritance: Autosomal recessive inheritance. Affected: yes.

NM_014806.5(RUSC2):c.3983G>A (p.Cys1328Tyr)

Genes: CIMIP2B (ciliary microtubule inner protein 2B; minus strand), RUSC2 (RUN and SH3 domain containing 2; plus strand). Cytogenetic location: 9p13.3.
Variant type: single nucleotide variant.
Coding change: c.3983G>A on transcript NM_014806.5 (MANE Select); coding-DNA position 3983, G replaced by A.
Protein change: p.Cys1328Tyr; replaces cysteine 1328 with tyrosine.
Molecular consequence: missense variant. On other transcripts: non-coding transcript variant (1).
Genome position (GRCh38, 1-based): chr9:35,560,623, G>A. VCF-style: chr9-35560623-G-A. GRCh37 (hg19) VCF-style: chr9-35560620-G-A.
Other names: c.3983G>A, p.Cys1328Tyr (NM_001135999.2); c.1349G>A, p.Cys450Tyr (NM_001330740.2); short protein forms C1328Y, C450Y.
Identifiers: ClinVar variation 1357226 (VCV001357226.5), dbSNP rs372907491, ClinGen allele CA5044279.
Genomic context (GRCh38, chr9:35,560,623, plus strand): 5'-GTGGGGGACCTCCCCAGGCTCCACCACCCCGAGAGGGAGTAGTGGAGGGGGCTGAGGCCT[G>A]CCCTGCCTCTGAGGAGGCCCTGGGCCGGGAAAGGGGCTGGCCCTTCTGGATGGGGAGCCC-3'
Protein context (NP_055621.2, residues 1318-1338): REGVVEGAEA[Cys1328Tyr]PASEEALGRE